The following is an entry in ClinVar:

NM_057175.5(NAA15):c.1088-6C>G

Gene: NAA15 (N-alpha-acetyltransferase 15, NatA auxiliary subunit; plus strand). Cytogenetic location: 4q31.1.
Variant type: single nucleotide variant.
Coding change: c.1088-6C>G on transcript NM_057175.5 (MANE Select); 6 bases into the intron before coding-DNA position 1088, C replaced by G.
Molecular consequence: intron variant.
Genome position (GRCh38, 1-based): chr4:139,357,380, C>G. VCF-style: chr4-139357380-C-G. GRCh37 (hg19) VCF-style: chr4-140278534-C-G.
Other names: c.1088-6C>G (NM_057175.3).
Identifiers: ClinVar variation 2082523 (VCV002082523.20), dbSNP rs374616061, ClinGen allele CA3083575.
Genomic context (GRCh38, chr4:139,357,380, plus strand): 5'-CATTTTGGGGGGTGCTCTTAATATATGTAATGCCTCATCTTGGTTTCTTCTCCCTCTTCT[C>G]CTAAGATGATGGAAAGGAGGAACCACCAACCACATTACTTTGGGTCCAGTACTACTTGGC-3'

ClinVar aggregate classification (germline): Likely benign. Review status: criteria provided, multiple submitters, no conflicts (2 of 4 stars). 3 submissions from 3 submitters: Likely benign (2). 1 of the submissions does not count toward it. Last evaluated 2025-11-15.

Conditions:
NAA15-related disorder.

Allele frequency attached by ClinVar (database versions not stated): ExAC 0.00006; 1000 Genomes Project 30x 0.00016; 1000 Genomes Project 0.00020; gnomAD 0.00032; TOPMed 0.00036; ESP Exome Variant Server 0.00042.
gnomAD v4.1: 86 of 1,613,248 alleles (0.0053%); highest among the groups gnomAD compares: African/African-American, 0.1%; 1 homozygote.

Submissions (3):

Labcorp Genetics (formerly Invitae), Labcorp
Classification: Likely benign. Last evaluated: 2025-11-15. Review status: criteria provided, single submitter. Criteria: Invitae Variant Classification Sherloc (09022015). Collection method: clinical testing. Allele origin: germline.

CeGaT Center for Human Genetics Tuebingen
Classification: Likely benign. Last evaluated: 2024-10-01. Review status: criteria provided, single submitter. Criteria: CeGaT Center For Human Genetics Tuebingen Variant Classification Criteria Version 2. Collection method: clinical testing. Allele origin: germline. Affected: yes. Observed: 1 variant allele.
Comment: NAA15: BP4, BS1

PreventionGenetics, part of Exact Sciences
Classification: Likely benign for NAA15-related condition. Last evaluated: 2023-03-23. Review status: no assertion criteria provided. Collection method: clinical testing. Allele origin: germline. Not counted in ClinVar's aggregate classification.
Comment: This variant is classified as likely benign based on ACMG/AMP sequence variant interpretation guidelines (Richards et al. 2015 PMID: 25741868, with internal and published modifications).